The following is an entry in ClinVar:

ClinVar aggregate classification (germline): Uncertain significance (1 of 4 stars; one submission).

Conditions:
Sulfite oxidase deficiency due to molybdenum cofactor deficiency type C. Also called: Molybdenum cofactor deficiency, complementation group C; Molybdenum cofactor deficiency C. Identifiers: Orphanet 308400, Orphanet 833, MedGen C1854990, MONDO:0014212, OMIM 615501.

Submission:

Labcorp Genetics (formerly Invitae), Labcorp
Classification: Uncertain significance for Sulfite oxidase deficiency due to molybdenum cofactor deficiency type C. Last evaluated: 2024-04-17. Review status: criteria provided, single submitter. Criteria: Invitae Variant Classification Sherloc (09022015). Collection method: clinical testing. Allele origin: germline.
Comment: This sequence change replaces phenylalanine, which is neutral and non-polar, with cysteine, which is neutral and slightly polar, at codon 629 of the GPHN protein (p.Phe629Cys). This variant is not present in population databases (gnomAD no frequency). This variant has not been reported in the literature in individuals affected with GPHN-related conditions. ClinVar contains an entry for this variant (Variation ID: 2089102). Advanced modeling of protein sequence and biophysical properties (such as structural, functional, and spatial information, amino acid conservation, physicochemical variation, residue mobility, and thermodynamic stability) performed at Invitae indicates that this missense variant is expected to disrupt GPHN protein function with a positive predictive value of 80%. In summary, the available evidence is currently insufficient to determine the role of this variant in disease. Therefore, it has been classified as a Variant of Uncertain Significance.

NM_020806.5(GPHN):c.1886T>G (p.Phe629Cys)

Gene: GPHN (gephyrin; plus strand). Cytogenetic location: 14q23.3.
Variant type: single nucleotide variant.
Coding change: c.1886T>G on transcript NM_020806.5 (MANE Select); coding-DNA position 1886, T replaced by G.
Protein change: p.Phe629Cys; replaces phenylalanine 629 with cysteine.
Molecular consequence: missense variant.
Genome position (GRCh38, 1-based): chr14:67,159,464, T>G. VCF-style: chr14-67159464-T-G. GRCh37 (hg19) VCF-style: chr14-67626181-T-G.
Other names: c.1787T>G, p.Phe596Cys (NM_001024218.2); c.1946T>G, p.Phe649Cys (NM_001377514.1); c.1916T>G, p.Phe639Cys (NM_001377515.1); c.1907T>G, p.Phe636Cys (NM_001377516.1); c.1859T>G, p.Phe620Cys (NM_001377517.1); c.1844T>G, p.Phe615Cys (NM_001377518.1); c.1826T>G, p.Phe609Cys (NM_001377519.1); short protein forms F615C, F620C, F636C, F596C, F609C, F629C, F639C, F649C.
Identifiers: ClinVar variation 2089102 (VCV002089102.4), dbSNP rs2544155446, ClinGen allele CA390121522.